The following is an entry in ClinVar:

ClinVar aggregate classification (germline): Likely benign. Review status: criteria provided, multiple submitters, no conflicts (2 of 4 stars). 2 submissions from 2 submitters: Likely benign (2). Last evaluated 2026-04-21.

Conditions:
TMC1-related disorder. Also called: TMC1-related disorders; TMC1-related condition.

Allele frequency attached by ClinVar (database versions not stated): gnomAD exomes 0.00007; ExAC 0.00024; gnomAD 0.00062; TOPMed 0.00075; 1000 Genomes Project 0.00100; 1000 Genomes Project 30x 0.00109; ESP Exome Variant Server 0.00115.
gnomAD v4.1: 199 of 1,612,318 alleles (0.012%); highest among the groups gnomAD compares: African/African-American, 0.25%; 1 homozygote.

Submissions (2):

PreventionGenetics, part of Exact Sciences
Classification: Likely benign for TMC1-related condition. Last evaluated: 2026-04-21. Review status: criteria provided, single submitter. Criteria: ACMG Guidelines, 2015. Collection method: clinical testing. Allele origin: germline.
Comment: This variant is classified as likely benign based on ACMG/AMP sequence variant interpretation guidelines (Richards et al. 2015 PMID: 25741868, with internal and published modifications).

Labcorp Genetics (formerly Invitae), Labcorp
Classification: Likely benign. Last evaluated: 2025-12-24. Review status: criteria provided, single submitter. Criteria: Invitae Variant Classification Sherloc (09022015). Collection method: clinical testing. Allele origin: germline.

NM_138691.3(TMC1):c.193A>G (p.Lys65Glu)

Gene: TMC1 (transmembrane channel like 1; plus strand). Cytogenetic location: 9q21.13.
Variant type: single nucleotide variant.
Coding change: c.193A>G on transcript NM_138691.3 (MANE Select); coding-DNA position 193, A replaced by G.
Protein change: p.Lys65Glu; replaces lysine 65 with glutamic acid.
Molecular consequence: missense variant.
Genome position (GRCh38, 1-based): chr9:72,694,671, A>G. VCF-style: chr9-72694671-A-G. GRCh37 (hg19) VCF-style: chr9-75309587-A-G.
Other names: c.193A>G (NM_138691.2); short protein forms K65E.
Identifiers: ClinVar variation 2047585 (VCV002047585.5), dbSNP rs145098032, ClinGen allele CA5081619.
Genomic context (GRCh38, chr9:72,694,671, plus strand): 5'-ACCAGAGATGTTATCAATGAGGATGACCCAGAACCTGAACCAGAGGATGAAGAAACAAGG[A>G]AGGCAAGAGAAAAAGAGAGGAGGAGGAGGCTAAAGAGAGGAGCGTAAGTTAGTTCTGATA-3'
Protein context (NP_619636.2, residues 55-75): EPEPEDEETR[Lys65Glu]AREKERRRRL